The following is an entry in ClinVar:

ClinVar aggregate classification (germline): Uncertain significance. Review status: criteria provided, multiple submitters, no conflicts (2 of 4 stars). 2 submissions from 2 submitters: Uncertain significance (2). Last evaluated 2025-06-25.

Conditions:
Encephalopathy, acute, infection-induced (herpes-specific), susceptibility to, 1. Also called: Herpes simplex encephalitis, susceptibility to, 1. Identifiers: Orphanet 1930, MedGen C2750180, MONDO:0024563, OMIM 610551.

gnomAD v4.1: 32 of 1,613,872 alleles (0.002%); highest among the groups gnomAD compares: Non-Finnish European, 0.0023%; no homozygotes.

Submissions (2):

Ambry Genetics
Classification: Uncertain significance. Last evaluated: 2025-06-25. Review status: criteria provided, single submitter. Criteria: Ambry Variant Classification Scheme 2023. Collection method: clinical testing. Allele origin: germline.

Labcorp Genetics (formerly Invitae), Labcorp
Classification: Uncertain significance for Encephalopathy, acute, infection-induced (herpes-specific), susceptibility to, 1. Last evaluated: 2024-05-31. Review status: criteria provided, single submitter. Criteria: Invitae Variant Classification Sherloc (09022015). Collection method: clinical testing. Allele origin: germline.
Comment: This sequence change replaces threonine, which is neutral and polar, with isoleucine, which is neutral and non-polar, at codon 151 of the TLR3 protein (p.Thr151Ile). This variant is not present in population databases (gnomAD no frequency). This variant has not been reported in the literature in individuals affected with TLR3-related conditions. Algorithms developed to predict the effect of missense changes on protein structure and function output the following: SIFT: "Not Available"; PolyPhen-2: "Benign"; Align-GVGD: "Not Available". The isoleucine amino acid residue is found in multiple mammalian species, which suggests that this missense change does not adversely affect protein function. In summary, the available evidence is currently insufficient to determine the role of this variant in disease. Therefore, it has been classified as a Variant of Uncertain Significance.

NM_003265.3(TLR3):c.452C>T (p.Thr151Ile)

Gene: TLR3 (toll like receptor 3; plus strand). Cytogenetic location: 4q35.1.
Variant type: single nucleotide variant.
Coding change: c.452C>T on transcript NM_003265.3 (MANE Select); coding-DNA position 452, C replaced by T.
Protein change: p.Thr151Ile; replaces threonine 151 with isoleucine.
Molecular consequence: missense variant.
Genome position (GRCh38, 1-based): chr4:186,078,850, C>T. VCF-style: chr4-186078850-C-T. GRCh37 (hg19) VCF-style: chr4-187000004-C-T.
Other names: short protein forms T151I.
Identifiers: ClinVar variation 3608509 (VCV003608509.3).
Genomic context (GRCh38, chr4:186,078,850, plus strand): 5'-TGTTTTTGACAGCAAGACTCTAACATATGCATATTATTTTTTCCCTTCAGAATTTAATCA[C>T]ATTAGATCTGTCTCATAATGGCTTGTCATCTACAAAATTAGGAACTCAGGTTCAGCTGGA-3'
Protein context (NP_003256.1, residues 141-161): NPFVKQKNLI[Thr151Ile]LDLSHNGLSS